The following is an entry in ClinVar:

NM_005188.4(CBL):c.2060C>T (p.Pro687Leu)

Gene: CBL (Cbl proto-oncogene; plus strand). Cytogenetic location: 11q23.3.
Variant type: single nucleotide variant.
Coding change: c.2060C>T on transcript NM_005188.4 (MANE Select); coding-DNA position 2060, C replaced by T.
Protein change: p.Pro687Leu; replaces proline 687 with leucine.
Molecular consequence: missense variant.
Genome position (GRCh38, 1-based): chr11:119,296,941, C>T. VCF-style: chr11-119296941-C-T. GRCh37 (hg19) VCF-style: chr11-119167651-C-T.
Other names: short protein forms P687L.
Identifiers: ClinVar variation 180822 (VCV000180822.27), dbSNP rs146705974, ClinGen allele CA296005.

ClinVar aggregate classification (germline): Conflicting classifications of pathogenicity. Review status: criteria provided, conflicting classifications (1 of 4 stars). 10 submissions from 10 submitters: Uncertain significance (4); Benign (1); Likely benign (3). 2 of the submissions do not count toward it. Last evaluated 2026-02-23.

Conditions:
Noonan syndrome and Noonan-related syndrome. Identifiers: Orphanet 98733, MedGen C5681679, MONDO:0020297.
CBL-related disorder. Also called: NOONAN SYNDROME-LIKE DISORDER WITHOUT JUVENILE MYELOMONOCYTIC LEUKEMIA; CBL MUTATION-ASSOCIATED SYNDROME; CBL SYNDROME. Identifiers: Orphanet 363972, MedGen C3150803, MONDO:0013308, OMIM 613563.
Cardiovascular phenotype. Identifiers: MedGen CN230736.
RASopathy. Also called: rasopathies; Noonan spectrum disorder. Identifiers: Orphanet 536391, MedGen C5555857, MONDO:0021060.

Allele frequency attached by ClinVar (database versions not stated): gnomAD exomes 0.00006 and 0.00009; ExAC 0.00007; gnomAD 0.00010 and 0.00012; TOPMed 0.00010; ESP Exome Variant Server 0.00023.
gnomAD v4.1: 147 of 1,606,986 alleles (0.0091%); highest among the groups gnomAD compares: Admixed American, 0.015%; no homozygotes.

Submissions (10):

Ambry Genetics
Classification: Uncertain significance for Cardiovascular phenotype. Last evaluated: 2026-02-23. Review status: criteria provided, single submitter. Criteria: Ambry Variant Classification Scheme 2023. Collection method: clinical testing. Allele origin: germline.
Comment: The p.P687L variant (also known as c.2060C>T), located in coding exon 13 of the CBL gene, results from a C to T substitution at nucleotide position 2060. The proline at codon 687 is replaced by leucine, an amino acid with similar properties. This amino acid position is well conserved in available vertebrate species. In addition, this alteration is predicted to be tolerated by in silico analysis. Based on the available evidence, the clinical significance of this variant remains unclear.

Labcorp Genetics (formerly Invitae), Labcorp
Classification: Likely benign for RASopathy. Last evaluated: 2026-02-01. Review status: criteria provided, single submitter. Criteria: Invitae Variant Classification Sherloc (09022015). Collection method: clinical testing. Allele origin: germline.

Women's Health and Genetics/Laboratory Corporation of America, LabCorp
Classification: Uncertain significance. Last evaluated: 2025-03-03. Review status: criteria provided, single submitter. Criteria: LabCorp Variant Classification Summary - May 2015. Collection method: clinical testing. Allele origin: germline.
Comment: Variant summary: CBL c.2060C>T (p.Pro687Leu) results in a non-conservative amino acid change in the encoded protein sequence. Three of five in-silico tools predict a benign effect of the variant on protein function. The variant allele was found at a frequency of 6e-05 in 251364 control chromosomes. This frequency is not significantly higher than estimated for a pathogenic variant in CBL causing Noonan Syndrome-Like Disorder, allowing no conclusion about variant significance. To our knowledge, no occurrence of c.2060C>T in individuals affected with Noonan Syndrome-Like Disorder and no experimental evidence demonstrating its impact on protein function have been reported. ClinVar contains an entry for this variant (Variation ID: 180822). Based on the evidence outlined above, the variant was classified as uncertain significance.

Blueprint Genetics
Classification: Likely benign. Last evaluated: 2023-12-27. Review status: criteria provided, single submitter. Criteria: ACMG Guidelines, 2015. Collection method: clinical testing. Allele origin: germline.

GeneDx
Classification: Likely benign. Last evaluated: 2020-05-04. Review status: criteria provided, single submitter. Criteria: GeneDx Variant Classification Process June 2021. Collection method: clinical testing. Allele origin: germline. Affected: yes.

Genetic Services Laboratory, University of Chicago
Classification: Uncertain significance. Last evaluated: 2018-11-09. Review status: criteria provided, single submitter. Criteria: ACMG Guidelines, 2015. Collection method: clinical testing. Allele origin: germline. Affected: no.

Illumina Laboratory Services, Illumina
Classification: Benign for CBL-related disorder. Last evaluated: 2018-01-13. Review status: criteria provided, single submitter. Criteria: ICSL Variant Classification Criteria 13 December 2019. Collection method: clinical testing. Allele origin: germline.
Comment: This variant was observed in the ICSL laboratory as part of a predisposition screen in an ostensibly healthy population. It had not been previously curated by ICSL or reported in the Human Gene Mutation Database (HGMD: prior to June 1st, 2018), and was therefore a candidate for classification through an automated scoring system. Utilizing variant allele frequency, disease prevalence and penetrance estimates, and inheritance mode, an automated score was calculated to assess if this variant is too frequent to cause the disease. Based on the score and internal cut-off values, a variant classified as benign is not then subjected to further curation. The score for this variant resulted in a classification of benign for this disease.

Genome Diagnostics Laboratory, The Hospital for Sick Children
Classification: Uncertain significance for Noonan syndrome and Noonan-related syndrome. Last evaluated: 2017-01-09. Review status: criteria provided, single submitter. Criteria: ACMG Guidelines, 2015. Collection method: clinical testing. Allele origin: germline.

Clinical Genetics, Academic Medical Center
Classification: Benign. Review status: no assertion criteria provided. Collection method: clinical testing. Allele origin: germline. Affected: yes. Study: VKGL Data-share Consensus. Not counted in ClinVar's aggregate classification.

Joint Genome Diagnostic Labs from Nijmegen and Maastricht, Radboudumc and MUMC+
Classification: Likely benign. Review status: no assertion criteria provided. Collection method: clinical testing. Allele origin: germline. Affected: yes. Study: VKGL Data-share Consensus. Not counted in ClinVar's aggregate classification.